The following is an entry in ClinVar:

NM_003072.5(SMARCA4):c.3168+2T>C

Gene: SMARCA4 (SWI/SNF related BAF chromatin remodeling complex subunit ATPase 4; plus strand). Cytogenetic location: 19p13.2.
Variant type: single nucleotide variant.
Coding change: c.3168+2T>C on transcript NM_003072.5 (MANE Select); the canonical splice donor site of the intron after coding-DNA position 3168, T replaced by C.
Molecular consequence: splice donor variant.
Genome position (GRCh38, 1-based): chr19:11,025,510, T>C. VCF-style: chr19-11025510-T-C. GRCh37 (hg19) VCF-style: chr19-11136186-T-C.
Other names: c.3168+2T>C (NM_001128844.3, NM_001128849.3, NM_001128847.4 and 6 more transcripts).
Identifiers: ClinVar variation 823036 (VCV000823036.4), dbSNP rs1489795776, ClinGen allele CA404059339.

ClinVar aggregate classification (germline): Pathogenic (1 of 4 stars; one submission).

Conditions:
Hereditary cancer-predisposing syndrome. Also called: Tumor predisposition; Hereditary Cancer Syndrome; Neoplastic Syndromes, Hereditary; Hereditary neoplastic syndrome. Identifiers: Orphanet 140162, MedGen C0027672, MeSH D009386, MONDO:0015356.

Submission:

Ambry Genetics
Classification: Pathogenic for Hereditary cancer-predisposing syndrome. Last evaluated: 2019-06-28. Review status: criteria provided, single submitter. Criteria: Ambry Variant Classification Scheme 2023. Collection method: clinical testing. Allele origin: germline.
Comment: The c.3168+2T>C intronic pathogenic mutation results from a T to C substitution two nucleotides after coding exon 21 in the SMARCA4 gene. This nucleotide position is highly conserved in available vertebrate species. This variant was not reported in population-based cohorts in the Genome Aggregation Database (gnomAD). Alterations that disrupt the canonical splice site are expected to cause aberrant splicing, resulting in an abnormal protein or a transcript that is subject to nonsense-mediated mRNA decay. As such, this alteration is classified as a disease-causing mutation.